The following is an entry in ClinVar:

NM_006005.3(WFS1):c.2137G>A (p.Asp713Asn)

Gene: WFS1 (wolframin ER transmembrane glycoprotein; plus strand). Cytogenetic location: 4p16.1.
Variant type: single nucleotide variant.
Coding change: c.2137G>A on transcript NM_006005.3 (MANE Select); coding-DNA position 2137, G replaced by A.
Protein change: p.Asp713Asn; replaces aspartic acid 713 with asparagine.
Molecular consequence: missense variant.
Genome position (GRCh38, 1-based): chr4:6,301,932, G>A. VCF-style: chr4-6301932-G-A. GRCh37 (hg19) VCF-style: chr4-6303659-G-A.
Other names: c.2137G>A, p.Asp713Asn (NM_001145853.1); short protein forms D713N.
Identifiers: ClinVar variation 2176101 (VCV002176101.6), dbSNP rs1405752612, ClinGen allele CA2839614.

ClinVar aggregate classification (germline): Uncertain significance. Review status: criteria provided, multiple submitters, no conflicts (2 of 4 stars). 2 submissions from 2 submitters: Uncertain significance (2). Last evaluated 2025-03-11.

Allele frequency attached by ClinVar (database versions not stated): ExAC 0.00001.
gnomAD v4.1: 25 of 1,612,756 alleles (0.0016%); highest among the groups gnomAD compares: East Asian, 0.0022%; no homozygotes.

Submissions (2):

Dasa
Classification: Uncertain significance. Last evaluated: 2025-03-11. Review status: criteria provided, single submitter. Criteria: DASA Assertion Criteria. Collection method: clinical testing. Allele origin: germline.
Comment: NM_006005.3(WFS1):c.2137G>A (p.Asp713Asn) is a missense variant that results in the substitution of aspartic acid with asparagine. This variant is rare in population databases. The currently available literature and clinical evidence are not sufficient to establish a definitive association between this variant and the reported condition. Therefore, this variant is classified as a variant of uncertain significance.

Labcorp Genetics (formerly Invitae), Labcorp
Classification: Uncertain significance. Last evaluated: 2024-04-16. Review status: criteria provided, single submitter. Criteria: Invitae Variant Classification Sherloc (09022015). Collection method: clinical testing. Allele origin: germline.
Comment: This sequence change replaces aspartic acid, which is acidic and polar, with asparagine, which is neutral and polar, at codon 713 of the WFS1 protein (p.Asp713Asn). This variant is present in population databases (no rsID available, gnomAD 0.006%). This variant has not been reported in the literature in individuals affected with WFS1-related conditions. ClinVar contains an entry for this variant (Variation ID: 2176101). Advanced modeling of protein sequence and biophysical properties (such as structural, functional, and spatial information, amino acid conservation, physicochemical variation, residue mobility, and thermodynamic stability) has been performed at Invitae for this missense variant, however the output from this modeling did not meet the statistical confidence thresholds required to predict the impact of this variant on WFS1 protein function. In summary, the available evidence is currently insufficient to determine the role of this variant in disease. Therefore, it has been classified as a Variant of Uncertain Significance.